The following is an entry in ClinVar:

ClinVar aggregate classification (germline): Pathogenic (1 of 4 stars; one submission).

Conditions:
Hereditary cancer-predisposing syndrome. Also called: Neoplastic Syndromes, Hereditary; Hereditary Cancer Syndrome; Tumor predisposition; Hereditary neoplastic syndrome. Identifiers: Orphanet 140162, MedGen C0027672, MeSH D009386, MONDO:0015356.

Submission:

Color Diagnostics, LLC DBA Color Health
Classification: Pathogenic for Hereditary cancer-predisposing syndrome. Last evaluated: 2020-01-15. Review status: criteria provided, single submitter. Criteria: ACMG Guidelines, 2015. Collection method: clinical testing. Allele origin: germline.
Comment: This variant deletes 2 nucleotides in exon 2 of the RAD51C gene, creating a frameshift and premature translation stop signal. This variant is expected to result in an absent or non-functional protein product. This variant has not been identified in the general population by the Genome Aggregation Database (gnomAD). Loss of RAD51C function is a known mechanism of disease. Based on the available evidence, this variant is classified as Pathogenic.

NM_058216.3(RAD51C):c.364_365del (p.Glu122fs)

Gene: RAD51C (RAD51 paralog C; plus strand). Cytogenetic location: 17q22.
Variant type: Deletion.
Coding change: c.364_365del on transcript NM_058216.3 (MANE Select); coding-DNA positions 364 to 365, 2 bases deleted (GA; older notation c.364_365delGA).
Protein change: p.Glu122fs; shifts the reading frame from glutamic acid 122.
Molecular consequence: frameshift variant. On other transcripts: non-coding transcript variant (2).
Genome position (GRCh38, 1-based): chr17:58,695,149-58,695,150, GA deleted; deleting any 2 consecutive bases within chr17:58,695,148-58,695,150 gives the same sequence; the c. name uses the placement nearest the transcript's 3' end. VCF-style (leftmost placement, unchanged base first): chr17-58695147-CAG-C. GRCh37 (hg19) VCF-style: chr17-56772508-CAG-C.
Other names: c.364_365del, p.Glu122fs (NM_002876.4); short protein forms E122fs.
Identifiers: ClinVar variation 927217 (VCV000927217.3), dbSNP rs2047956880, ClinGen allele CA1139665726.